The following is an entry in ClinVar:

ClinVar aggregate classification (germline): Uncertain significance. Review status: criteria provided, multiple submitters, no conflicts (2 of 4 stars). 3 submissions from 3 submitters: Uncertain significance (2). 1 of the submissions does not count toward it. Last evaluated 2024-12-16.

Conditions:
Prostate cancer, hereditary, 1 (HPC1). Identifiers: Orphanet 1331, MedGen C4722327, MONDO:0011098, OMIM 601518.
Hereditary cancer-predisposing syndrome. Also called: Neoplastic Syndromes, Hereditary; Tumor predisposition; Hereditary neoplastic syndrome; Hereditary Cancer Syndrome. Identifiers: Orphanet 140162, MedGen C0027672, MeSH D009386, MONDO:0015356.

gnomAD v4.1: 1 of 1,614,068 alleles (0.000062%); no homozygotes.

Submissions (3):

Ambry Genetics
Classification: Uncertain significance for Hereditary cancer-predisposing syndrome. Last evaluated: 2024-12-16. Review status: criteria provided, single submitter. Criteria: Ambry Variant Classification Scheme 2023. Collection method: clinical testing. Allele origin: germline.
Comment: The p.P193R variant (also known as c.578C>G), located in coding exon 1 of the HOXB13 gene, results from a C to G substitution at nucleotide position 578. The proline at codon 193 is replaced by arginine, an amino acid with dissimilar properties. This amino acid position is not well conserved in available vertebrate species. In addition, this alteration is predicted to be tolerated by in silico analysis. Based on the available evidence, the clinical significance of this variant remains unclear.

Labcorp Genetics (formerly Invitae), Labcorp
Classification: Uncertain significance. Last evaluated: 2024-04-27. Review status: criteria provided, single submitter. Criteria: Invitae Variant Classification Sherloc (09022015). Collection method: clinical testing. Allele origin: germline.
Comment: This sequence change replaces proline, which is neutral and non-polar, with arginine, which is basic and polar, at codon 193 of the HOXB13 protein (p.Pro193Arg). This variant is not present in population databases (gnomAD no frequency). This variant has not been reported in the literature in individuals affected with HOXB13-related conditions. ClinVar contains an entry for this variant (Variation ID: 690515). Advanced modeling of protein sequence and biophysical properties (such as structural, functional, and spatial information, amino acid conservation, physicochemical variation, residue mobility, and thermodynamic stability) performed at Invitae indicates that this missense variant is not expected to disrupt HOXB13 protein function with a negative predictive value of 80%. In summary, the available evidence is currently insufficient to determine the role of this variant in disease. Therefore, it has been classified as a Variant of Uncertain Significance.

Laboratory of Virology, Microbiology,  Quality and Medical Biotechnologies, Faculty of Sciences and Techniques - Mohammedia, Hassan II University of Casablanca
Classification: Uncertain significance for Prostate cancer, hereditary, 1. Review status: no assertion criteria provided. Collection method: clinical testing. Allele origin: somatic. Affected: yes. Not counted in ClinVar's aggregate classification.

NM_006361.6(HOXB13):c.578C>G (p.Pro193Arg)

Gene: HOXB13 (homeobox B13; minus strand). Cytogenetic location: 17q21.32.
Variant type: single nucleotide variant.
Coding change: c.578C>G on transcript NM_006361.6 (MANE Select); coding-DNA position 578, C replaced by G.
Protein change: p.Pro193Arg; replaces proline 193 with arginine.
Molecular consequence: missense variant.
Genome position (GRCh38, 1-based): chr17:48,728,016, G>C on the plus strand (C>G on the coding strand, the complement: HOXB13 is on the minus strand). VCF-style: chr17-48728016-G-C. GRCh37 (hg19) VCF-style: chr17-46805378-G-C.
Other names: short protein forms P193R.
Identifiers: ClinVar variation 690515 (VCV000690515.5), dbSNP rs1597933762, ClinGen allele CA400107144.
Genomic context (GRCh38, chr17:48,728,016, plus strand): 5'-GGCTCAGAGACAAGGGGACCCAGGGTAATAGAGGTACCTGCAAATGCTGCCTTCCAAAAG[G>C]GACCTGGTGGGTTCTGTTCTCCCTGGCAACACATCTGGCTGTTCCAGCCACCAGCGAGAG-3'
Protein context (NP_006352.2, residues 183-203): CCQGEQNPPG[Pro193Arg]FWKAAFADSS